The following is an entry in ClinVar:

ClinVar aggregate classification (germline): Conflicting classifications of pathogenicity. Review status: criteria provided, conflicting classifications (1 of 4 stars). 8 submissions from 8 submitters: Uncertain significance (1); Likely benign (5). 2 of the submissions do not count toward it. Last evaluated 2026-09-01.

Conditions:
Fanconi anemia (FA). Also called: Fanconi's anemia. Identifiers: Orphanet 84, MedGen C0015625, MeSH D005199, MONDO:0019391.
Fanconi anemia complementation group P. Also called: SLX4-Related Fanconi Anemia. Identifiers: Orphanet 84, MedGen C3469542, MONDO:0013499, OMIM 613951.

Allele frequency attached by ClinVar (database versions not stated): ExAC 0.00032; gnomAD exomes 0.00043 and 0.00082; gnomAD 0.00060 and 0.00061; TOPMed 0.00062; ESP Exome Variant Server 0.00108.
gnomAD v4.1: 1,276 of 1,614,080 alleles (0.079%); highest among the groups gnomAD compares: Non-Finnish European, 0.1%; no homozygotes.

Submissions (8):

CeGaT Center for Human Genetics Tuebingen
Classification: Likely benign. Last evaluated: 2026-09-01. Review status: criteria provided, single submitter. Criteria: CeGaT Center For Human Genetics Tuebingen Variant Classification Criteria Version 2. Collection method: clinical testing. Allele origin: germline. Affected: yes. Observed: 11 variant alleles.
Comment: SLX4: BP4, BP7

Labcorp Genetics (formerly Invitae), Labcorp
Classification: Likely benign for Fanconi anemia. Last evaluated: 2026-02-01. Review status: criteria provided, single submitter. Criteria: Invitae Variant Classification Sherloc (09022015). Collection method: clinical testing. Allele origin: germline.

Blueprint Genetics
Classification: Likely benign. Last evaluated: 2024-11-15. Review status: criteria provided, single submitter. Criteria: ACMG Guidelines, 2015. Collection method: clinical testing. Allele origin: germline.

Sema4
Classification: Likely benign for Fanconi anemia. Last evaluated: 2022-01-14. Review status: criteria provided, single submitter. Criteria: Sema4 Curation Guidelines. Collection method: curation. Allele origin: germline.

Genetic Services Laboratory, University of Chicago
Classification: Likely benign. Last evaluated: 2021-02-19. Review status: criteria provided, single submitter. Criteria: ACMG Guidelines, 2015. Collection method: clinical testing. Allele origin: germline. Affected: no.

Illumina Laboratory Services, Illumina
Classification: Uncertain significance for Fanconi anemia complementation group P. Last evaluated: 2017-04-27. Review status: criteria provided, single submitter. Criteria: ICSL Variant Classification Criteria 13 December 2019. Collection method: clinical testing. Allele origin: germline.
Comment: This variant was observed as part of a predisposition screen in an ostensibly healthy population. A literature search was performed for the gene, cDNA change, and amino acid change (where applicable). Publications were found based on this search. However, the evidence from the literature, in combination with allele frequency data from public databases where available, was not sufficient to rule this variant in or out of causing disease. Therefore, this variant is classified as a variant of unknown significance.

Clinical Genetics DNA and cytogenetics Diagnostics Lab, Erasmus MC, Erasmus Medical Center
Classification: Likely benign. Review status: no assertion criteria provided. Collection method: clinical testing. Allele origin: germline. Affected: yes. Study: VKGL Data-share Consensus. Not counted in ClinVar's aggregate classification.

Genome Diagnostics Laboratory, Amsterdam University Medical Center
Classification: Likely benign. Review status: no assertion criteria provided. Collection method: clinical testing. Allele origin: germline. Affected: yes. Study: VKGL Data-share Consensus. Not counted in ClinVar's aggregate classification.

Literature cited by the submitters: PubMed 22401137 (cited by Sema4 and Illumina Laboratory Services, Illumina).

NM_032444.4(SLX4):c.339T>C (p.Ser113=)

Gene: SLX4 (SLX4 structure-specific endonuclease subunit; minus strand). Cytogenetic location: 16p13.3.
Variant type: single nucleotide variant.
Coding change: c.339T>C on transcript NM_032444.4 (MANE Select); coding-DNA position 339, T replaced by C.
Protein change: p.Ser113=; no amino-acid change (serine 113 retained).
Molecular consequence: synonymous variant.
Genome position (GRCh38, 1-based): chr16:3,608,626, A>G on the plus strand (T>C on the coding strand, the complement: SLX4 is on the minus strand). VCF-style: chr16-3608626-A-G. GRCh37 (hg19) VCF-style: chr16-3658627-A-G.
Other names: c.339T>C (LRG_503t1).
Identifiers: ClinVar variation 215951 (VCV000215951.48), dbSNP rs144326379, ClinGen allele CA338775.